The following is an entry in ClinVar:

NM_000129.4(F13A1):c.-19+27del

Gene: F13A1 (coagulation factor XIII A chain; minus strand). Cytogenetic location: 6p25.1.
Variant type: Deletion.
Coding change: c.-19+27del on transcript NM_000129.4 (MANE Select); 27 bases into the intron after 19 bases upstream of the start codon, one base deleted (A; older notation c.-19+27delA).
Molecular consequence: intron variant.
Genome position (GRCh38, 1-based): chr6:6,320,560, T deleted on the plus strand (A on the coding strand, the reverse complement: F13A1 is on the minus strand). VCF-style (leftmost placement, unchanged base first): chr6-6320559-CT-C. GRCh37 (hg19) VCF-style: chr6-6320792-CT-C.
Identifiers: ClinVar variation 4980748 (VCV004980748.1).

ClinVar aggregate classification (germline): Likely benign (1 of 4 stars; one submission).

Conditions:
F13A1-related disorder. Also called: F13A1-related condition.

Submission:

PreventionGenetics, part of Exact Sciences
Classification: Likely benign for F13A1-related condition. Last evaluated: 2025-11-11. Review status: criteria provided, single submitter. Criteria: ACMG Guidelines, 2015. Collection method: clinical testing. Allele origin: germline.
Comment: This variant is classified as likely benign based on ACMG/AMP sequence variant interpretation guidelines (Richards et al. 2015 PMID: 25741868, with internal and published modifications).